The following is an entry in ClinVar:

ClinVar aggregate classification (germline): not provided (0 of 4 stars; one submission).

Allele frequency attached by ClinVar (database versions not stated): gnomAD 0.00006; TOPMed 0.00009.

Submission:

Human Evolutionary Genetics, Institut Pasteur
No classification provided. Review status: no classification provided. Collection method: not provided. Allele origin: germline.
ClinVar note: Converted during submission from untested to not provided.

NM_001433705.1(NLRP5):c.2634-133C>T

Gene: NLRP5 (NLR family pyrin domain containing 5; plus strand). Cytogenetic location: 19q13.43.
Variant type: single nucleotide variant.
Coding change: c.2634-133C>T on transcript NM_001433705.1 (MANE Select); 133 bases into the intron before coding-DNA position 2634, C replaced by T.
Molecular consequence: intron variant.
Genome position (GRCh38, 1-based): chr19:56,040,789, C>T. VCF-style: chr19-56040789-C-T. GRCh37 (hg19) VCF-style: chr19-56552155-C-T.
Other names: NM_153447.4:c.2787-133C>T.
Identifiers: ClinVar variation 103287 (VCV000103287.2), dbSNP rs199475782, ClinGen allele CA230371.
Genomic context (GRCh38, chr19:56,040,789, plus strand): 5'-AGTATTCTTTTGGGGCTGATGCACTGGAGTTGAGTTTGCAAGTTAAAGGCAGAGAGGATG[C>T]GACTTCACCATATGTCTGCAAGGACATGCCAACTATGGGGGTGATACGTCTTTCCCCTCC-3'